The following is an entry in ClinVar:

NM_015335.5(MED13L):c.3797C>T (p.Ala1266Val)

Gene: MED13L (mediator complex subunit 13L; minus strand). Cytogenetic location: 12q24.21.
Variant type: single nucleotide variant.
Coding change: c.3797C>T on transcript NM_015335.5 (MANE Select); coding-DNA position 3797, C replaced by T.
Protein change: p.Ala1266Val; replaces alanine 1266 with valine.
Molecular consequence: missense variant.
Genome position (GRCh38, 1-based): chr12:115,991,157, G>A on the plus strand (C>T on the coding strand, the complement: MED13L is on the minus strand). VCF-style: chr12-115991157-G-A. GRCh37 (hg19) VCF-style: chr12-116428962-G-A.
Other names: short protein forms A1266V.
Identifiers: ClinVar variation 3341999 (VCV003341999.16).

ClinVar aggregate classification (germline): Uncertain significance (1 of 4 stars; one submission).

Submission:

CeGaT Center for Human Genetics Tuebingen
Classification: Uncertain significance. Last evaluated: 2024-08-01. Review status: criteria provided, single submitter. Criteria: CeGaT Center For Human Genetics Tuebingen Variant Classification Criteria Version 2. Collection method: clinical testing. Allele origin: germline. Affected: yes. Observed: 1 variant allele.
Comment: MED13L: PM2